The following is an entry in ClinVar:

NM_000143.4(FH):c.131T>C (p.Met44Thr)

Gene: FH (fumarate hydratase; minus strand). Cytogenetic location: 1q43.
Variant type: single nucleotide variant.
Coding change: c.131T>C on transcript NM_000143.4 (MANE Select); coding-DNA position 131, T replaced by C.
Protein change: p.Met44Thr; replaces methionine 44 with threonine.
Molecular consequence: missense variant.
Genome position (GRCh38, 1-based): chr1:241,519,592, A>G on the plus strand (T>C on the coding strand, the complement: FH is on the minus strand). VCF-style: chr1-241519592-A-G. GRCh37 (hg19) VCF-style: chr1-241682892-A-G.
Other names: short protein forms M44T.
Identifiers: ClinVar variation 3649051 (VCV003649051.1).

ClinVar aggregate classification (germline): Uncertain significance (1 of 4 stars; one submission).

gnomAD v4.1: 1 of 1,547,234 alleles (0.000065%); highest among the groups gnomAD compares: Non-Finnish European, 0.000087%; no homozygotes.

Submission:

Labcorp Genetics (formerly Invitae), Labcorp
Classification: Uncertain significance. Last evaluated: 2024-04-07. Review status: criteria provided, single submitter. Criteria: Invitae Variant Classification Sherloc (09022015). Collection method: clinical testing. Allele origin: germline.
Comment: This sequence change replaces methionine, which is neutral and non-polar, with threonine, which is neutral and polar, at codon 44 of the FH protein (p.Met44Thr). This variant is not present in population databases (gnomAD no frequency). This variant has not been reported in the literature in individuals affected with FH-related conditions. An algorithm developed to predict the effect of missense changes on protein structure and function (PolyPhen-2) suggests that this variant¬†is likely to be tolerated. This variant affects the in-frame methionine at codon 44 (Met44), which has been shown to be crucial for translation of the cytosolic FH echoform. A different variant at Met44 has been reported to affect FH protein function (PMID: 27037871). RNA analysis performed to evaluate the impact of this missense change on mRNA splicing indicates it does not significantly alter splicing (Invitae). In summary, the available evidence is currently insufficient to determine the role of this variant in disease. Therefore, it has been classified as a Variant of Uncertain Significance.

Literature cited by the submitters: PubMed 27037871.